The following is an entry in ClinVar:

ClinVar aggregate classification (germline): Likely benign (0 of 4 stars; one submission).

Conditions:
WDPCP-related disorder. Also called: WDPCP-related condition.

Allele frequency attached by ClinVar (database versions not stated): ExAC 0.00001; gnomAD 0.00005.
gnomAD v4.1: 23 of 1,595,156 alleles (0.0014%); highest among the groups gnomAD compares: African/African-American, 0.0081%; no homozygotes.

Submission:

PreventionGenetics, part of Exact Sciences
Classification: Likely benign for WDPCP-related condition. Last evaluated: 2021-05-19. Review status: no assertion criteria provided. Collection method: clinical testing. Allele origin: germline.
Comment: This variant is classified as likely benign based on ACMG/AMP sequence variant interpretation guidelines (Richards et al. 2015 PMID: 25741868, with internal and published modifications).

NM_015910.7(WDPCP):c.500-321G>A

Gene: WDPCP (WD repeat containing planar cell polarity effector; minus strand). Cytogenetic location: 2p15.
Variant type: single nucleotide variant.
Coding change: c.500-321G>A on transcript NM_015910.7 (MANE Select); 321 bases into the intron before coding-DNA position 500, G replaced by A.
Molecular consequence: intron variant. On other transcripts: synonymous variant (1), non-coding transcript variant (1).
Genome position (GRCh38, 1-based): chr2:63,437,875, C>T on the plus strand (G>A on the coding strand, the complement: WDPCP is on the minus strand). VCF-style: chr2-63437875-C-T. GRCh37 (hg19) VCF-style: chr2-63665009-C-T.
Other names: c.9G>A, p.Ser3= (NM_001042692.3); c.428-321G>A (NM_001354044.2); c.500-321G>A (NM_001354045.2).
Identifiers: ClinVar variation 3045636 (VCV003045636.2), dbSNP rs777454937, ClinGen allele CA1682437.